The following is an entry in ClinVar:

NM_000237.3(LPL):c.622G>A (p.Val208Ile)

Gene: LPL (lipoprotein lipase; plus strand). Cytogenetic location: 8p21.3.
Variant type: single nucleotide variant.
Coding change: c.622G>A on transcript NM_000237.3 (MANE Select); coding-DNA position 622, G replaced by A.
Protein change: p.Val208Ile; replaces valine 208 with isoleucine.
Molecular consequence: missense variant.
Genome position (GRCh38, 1-based): chr8:19,954,200, G>A. VCF-style: chr8-19954200-G-A. GRCh37 (hg19) VCF-style: chr8-19811711-G-A.
Other names: short protein forms V208I.
Identifiers: ClinVar variation 2412842 (VCV002412842.6), dbSNP rs568397156, ClinGen allele CA173377479.
Genomic context (GRCh38, chr8:19,954,200, plus strand): 5'-AACTTTGAGTATGCAGAAGCCCCGAGTCGTCTTTCTCCTGATGATGCAGATTTTGTAGAC[G>A]TCTTACACACATTCACCAGAGGGTCCCCTGGTCGAAGCATTGGAATCCAGAAACCAGTTG-3'
Protein context (NP_000228.1, residues 198-218): LSPDDADFVD[Val208Ile]LHTFTRGSPG

ClinVar aggregate classification (germline): Uncertain significance. Review status: criteria provided, multiple submitters, no conflicts (2 of 4 stars). 3 submissions from 3 submitters: Uncertain significance (3). Last evaluated 2026-05-15.

Conditions:
LPL-related disorder. Also called: LPL-related condition.
Cardiovascular phenotype. Identifiers: MedGen CN230736.

Allele frequency attached by ClinVar (database versions not stated): gnomAD exomes 0.00001; TOPMed 0.00002.
gnomAD v4.1: 21 of 1,614,138 alleles (0.0013%); highest among the groups gnomAD compares: East Asian, 0.0022%; no homozygotes.

Submissions (3):

PreventionGenetics, part of Exact Sciences
Classification: Uncertain significance for LPL-related condition. Last evaluated: 2026-05-15. Review status: criteria provided, single submitter. Criteria: ACMG Guidelines, 2015. Collection method: clinical testing. Allele origin: germline.
Comment: The LPL c.622G>A variant is predicted to result in the amino acid substitution p.Val208Ile. This variant, also referred to as G796A, p.Val181Ile in legacy nomenclature, has been reported in the heterozygous state in individuals with hypertriglyceridemia, and functional studies suggest this variant mildly decreases protein activity (See for example, Chan et al. 2002. PubMed ID: 12204001; Yang et al. 2003. PubMed ID: 12905705). Variant reviews by different lipid clinics have conflicting classifications of this variant ranging from a polygenic risk allele to likely pathogenic (Table S2, Deshotels et al. 2022. PubMed ID: 36325899; Rodrigues et al. 2016. PubMed ID: 27055971; Tables S3 and S4, Dron. 2020. PubMed ID: 32041611). This variant is reported in 0.00088% of alleles in individuals of European (non-Finnish) descent in gnomAD and is classified as uncertain in ClinVar (Variation ID: 2412842). At this time, the clinical significance of this variant is uncertain due to the absence of conclusive functional and genetic evidence.

Ambry Genetics
Classification: Uncertain significance for Cardiovascular phenotype. Last evaluated: 2024-07-25. Review status: criteria provided, single submitter. Criteria: Ambry Variant Classification Scheme 2023. Collection method: clinical testing. Allele origin: germline.
Comment: The p.V208I variant (also known as c.622G>A), located in coding exon 5 of the LPL gene, results from a G to A substitution at nucleotide position 622. The valine at codon 208 is replaced by isoleucine, an amino acid with highly similar properties. This alteration has been reported in hypertriglyceridemia (HTG) cohorts, and an in vitro assay showed decreased enzyme activity (Chan LY et al. Hum Mutat, 2002 Sep;20:232-3; Chang YT et al. J Clin Gastroenterol, 2009 Jul;43:591-6). This amino acid position is highly conserved in available vertebrate species. In addition, this alteration is predicted to be deleterious by in silico analysis. Based on the available evidence, the clinical significance of this variant remains unclear.

GeneDx
Classification: Uncertain significance. Last evaluated: 2023-09-06. Review status: criteria provided, single submitter. Criteria: GeneDx Variant Classification Process June 2021. Collection method: clinical testing. Allele origin: germline.
Comment: Identified in patients with hypertriglyceridemia in published literature (Chan et al., 2002; Yang et al., 2003); Not observed at significant frequency in large population cohorts (gnomAD); Published in vitro expression studies suggest a damaging effect with reduced LPL enzyme activity (Chan et al., 2002; Yang et al., 2003); In silico analysis supports that this missense variant does not alter protein structure/function; Also known as V181I; This variant is associated with the following publications: (PMID: 12204001, 12905705, 27055971, 32041611)

Literature cited by the submitters: PubMed 12204001 (cited by Ambry Genetics); PubMed 19034041 (cited by Ambry Genetics).